The following is an entry in ClinVar:

NM_139248.3(LIPH):c.789del (p.Ser262_Cys263insTer)

Gene: LIPH (lipase H; minus strand). Cytogenetic location: 3q27.2.
Variant type: Deletion.
Coding change: c.789del on transcript NM_139248.3 (MANE Select); coding-DNA position 789, one base deleted (C; older notation c.789delC).
Protein change: p.Ser262_Cys263insTer.
Molecular consequence: nonsense.
Genome position (GRCh38, 1-based): chr3:185,519,239, G deleted on the plus strand (C on the coding strand, the reverse complement: LIPH is on the minus strand). VCF-style (leftmost placement, unchanged base first): chr3-185519238-TG-T. GRCh37 (hg19) VCF-style: chr3-185237026-TG-T.
Identifiers: ClinVar variation 280544 (VCV000280544.5), dbSNP rs760309219, ClinGen allele CA2740496.
Genomic context (GRCh38, chr3:185,519,238, plus strand): 5'-AGCTGACACACTTGCCATTCCTATAATCCTGGTAGGAGTCACAGGGATACGCAGTGATGG[TG>T]CAGCTCTCTCTCAGGGAAGACAGGTACAGGTATACAGACCTCTGGTGGTCACATTTAAAA-3'

ClinVar aggregate classification (germline): Pathogenic/Likely pathogenic. Review status: criteria provided, multiple submitters, no conflicts (2 of 4 stars). 3 submissions from 3 submitters: Pathogenic (1); Likely pathogenic (1). 1 of the submissions does not count toward it. Last evaluated 2025-12-28.

Conditions:
LIPH-related disorder. Also called: LIPH-related condition.

Allele frequency attached by ClinVar (database versions not stated): ESP Exome Variant Server 0.00008; gnomAD exomes 0.00008 and 0.00029; TOPMed 0.00005; gnomAD 0.00008 and 0.00009; ExAC 0.00009.

Submissions (3):

Labcorp Genetics (formerly Invitae), Labcorp
Classification: Pathogenic. Last evaluated: 2025-12-28. Review status: criteria provided, single submitter. Criteria: Invitae Variant Classification Sherloc (09022015). Collection method: clinical testing. Allele origin: germline.
Comment: This sequence change creates a premature translational stop signal (p.Cys263*) in the LIPH gene. It is expected to result in an absent or disrupted protein product. Loss-of-function variants in LIPH are known to be pathogenic (PMID: 17333281, 18445047). This variant is present in population databases (rs760309219, gnomAD 0.02%). This variant has not been reported in the literature in individuals affected with LIPH-related conditions. ClinVar contains an entry for this variant (Variation ID: 280544). Algorithms developed to predict the effect of sequence changes on RNA splicing suggest that this variant may disrupt the consensus splice site. For these reasons, this variant has been classified as Pathogenic.

GeneDx
Classification: Likely pathogenic. Last evaluated: 2018-07-12. Review status: criteria provided, single submitter. Criteria: GeneDx Variant Classification (06012015). Collection method: clinical testing. Allele origin: germline. Affected: yes.
Comment: The c.789delC pathogenic variant in the LIPH gene has not been reported previously as a pathogenic variant nor as a benign variant, to our knowledge. The c.789delC variant causes a frameshift starting with codon Cysteine 263 and changes this amino acid to a premature Stop codon, denoted p.Cys263Ter. This variant is predicted to cause loss of normal protein function either through protein truncation or nonsense-mediated mRNA decay. The c.789delC variant is observed in 22/126666 (0.02%) alleles from individuals of non-Finnish European background, in large population cohorts and no individuals were reported to be homozygous (Lek et al., 2016). We interpret c.789delC as a likely pathogenic variant.

PreventionGenetics, part of Exact Sciences
Classification: Likely pathogenic for LIPH-related condition. Last evaluated: 2024-07-17. Review status: no assertion criteria provided. Collection method: clinical testing. Allele origin: germline. Not counted in ClinVar's aggregate classification.
Comment: The LIPH c.789delC variant is predicted to result in premature protein termination (p.Cys263*). To our knowledge, this variant has not been reported in the literature. This variant is reported in 0.018% of alleles in individuals of European (non-Finnish) descent in gnomAD. Nonsense variants in LIPH are expected to be pathogenic. This variant is interpreted as likely pathogenic.

Literature cited by the submitters: PubMed 17333281 (cited by Labcorp Genetics (formerly Invitae), Labcorp); PubMed 18445047 (cited by Labcorp Genetics (formerly Invitae), Labcorp).